The following is an entry in ClinVar:

ClinVar aggregate classification (germline): Conflicting classifications of pathogenicity. Review status: criteria provided, conflicting classifications (1 of 4 stars). 3 submissions from 3 submitters: Uncertain significance (2); Likely benign (1). Last evaluated 2024-06-06.

Conditions:
Hereditary breast ovarian cancer syndrome. Also called: Hereditary breast and ovarian cancer syndrome; Hereditary breast and/or ovarian cancer syndrome; Hereditary breast and ovarian cancer syndrome (HBOC); Breast and ovarian cancer; BRCA1- and BRCA2-Associated Hereditary Breast and Ovarian Cancer; Hereditary breast and ovarian cancer. Identifiers: Orphanet 145, MedGen C0677776, MeSH D061325, MONDO:0003582. Disease mechanism: loss of function.
Hereditary cancer-predisposing syndrome. Also called: Neoplastic Syndromes, Hereditary; Hereditary Cancer Syndrome; Tumor predisposition; Hereditary neoplastic syndrome. Identifiers: Orphanet 140162, MedGen C0027672, MeSH D009386, MONDO:0015356.

Submissions (3):

Ambry Genetics
Classification: Uncertain significance for Hereditary cancer-predisposing syndrome. Last evaluated: 2024-06-06. Review status: criteria provided, single submitter. Criteria: Ambry Variant Classification Scheme 2023. Collection method: clinical testing. Allele origin: germline.
Comment: The p.E1035G variant (also known as c.3104A>G), located in coding exon 10 of the BRCA2 gene, results from an A to G substitution at nucleotide position 3104. The glutamic acid at codon 1035 is replaced by glycine, an amino acid with similar properties. This amino acid position is highly conserved in available vertebrate species. In addition, the in silico prediction for this alteration is inconclusive. Based on the available evidence, the clinical significance of this variant remains unclear.

University of Washington Department of Laboratory Medicine, University of Washington
Classification: Likely benign for Hereditary cancer-predisposing syndrome. Last evaluated: 2023-03-23. Review status: criteria provided, single submitter. Criteria: Dines et al. (Genet Med. 2020). Collection method: curation. Allele origin: germline.
Comment: Missense variant in a coldspot region where missense variants are very unlikely to be pathogenic (PMID:31911673).

BRCA2 exon 11 coldspot. Reclassification based on statistical prior probability.

Labcorp Genetics (formerly Invitae), Labcorp
Classification: Uncertain significance for Hereditary breast ovarian cancer syndrome. Last evaluated: 2018-05-02. Review status: criteria provided, single submitter. Criteria: Invitae Variant Classification Sherloc (09022015). Collection method: clinical testing. Allele origin: germline.
Comment: This variant is not present in population databases (ExAC no frequency). This sequence change replaces glutamic acid with glycine at codon 1035 of the BRCA2 protein (p.Glu1035Gly). The glutamic acid residue is moderately conserved and there is a moderate physicochemical difference between glutamic acid and glycine. This variant has not been reported in the literature in individuals with BRCA2-related disease. In summary, the available evidence is currently insufficient to determine the role of this variant in disease. Therefore, it has been classified as a Variant of Uncertain Significance. Algorithms developed to predict the effect of missense changes on protein structure and function do not agree on the potential impact of this missense change (SIFT: "Tolerated"; PolyPhen-2: "Probably Damaging"; Align-GVGD: "Class C0").

NM_000059.4(BRCA2):c.3104A>G (p.Glu1035Gly)

Gene: BRCA2 (BRCA2 DNA repair associated; plus strand). Cytogenetic location: 13q13.1.
Variant type: single nucleotide variant.
Coding change: c.3104A>G on transcript NM_000059.4 (MANE Select); coding-DNA position 3104, A replaced by G.
Protein change: p.Glu1035Gly; replaces glutamic acid 1035 with glycine.
Molecular consequence: missense variant.
Genome position (GRCh38, 1-based): chr13:32,337,459, A>G. VCF-style: chr13-32337459-A-G. GRCh37 (hg19) VCF-style: chr13-32911596-A-G.
Other names: short protein forms E1035G.
Identifiers: ClinVar variation 582563 (VCV000582563.11), dbSNP rs1566227803, ClinGen allele CA387775358.